The following is an entry in ClinVar:

NM_194248.3(OTOF):c.37C>T (p.Leu13=)

Gene: OTOF (otoferlin; minus strand). Cytogenetic location: 2p23.3.
Variant type: single nucleotide variant.
Coding change: c.37C>T on transcript NM_194248.3 (MANE Select); coding-DNA position 37, C replaced by T.
Protein change: p.Leu13=; no amino-acid change (leucine 13 retained).
Molecular consequence: synonymous variant.
Genome position (GRCh38, 1-based): chr2:26,558,535, G>A on the plus strand (C>T on the coding strand, the complement: OTOF is on the minus strand). VCF-style: chr2-26558535-G-A. GRCh37 (hg19) VCF-style: chr2-26781403-G-A.
Other names: c.37C>T, p.Leu13= (NM_001287489.2).
Identifiers: ClinVar variation 48226 (VCV000048226.19), dbSNP rs76180450, ClinGen allele CA142871.

ClinVar aggregate classification (germline): Benign/Likely benign. Review status: criteria provided, multiple submitters, no conflicts (2 of 4 stars). 5 submissions from 5 submitters: Benign (2); Likely benign (3). Last evaluated 2026-01-24.

Allele frequency attached by ClinVar (database versions not stated): gnomAD exomes 0.00016 and 0.00050; ExAC 0.00059; 1000 Genomes Project 30x 0.00156; 1000 Genomes Project 0.00160; gnomAD 0.00190 and 0.00203; TOPMed 0.00216; ESP Exome Variant Server 0.00277.
gnomAD v4.1: 536 of 1,614,000 alleles (0.033%); highest among the groups gnomAD compares: African/African-American, 0.64%; 1 homozygote.

Submissions (5):

Labcorp Genetics (formerly Invitae), Labcorp
Classification: Benign. Last evaluated: 2026-01-24. Review status: criteria provided, single submitter. Criteria: Invitae Variant Classification Sherloc (09022015). Collection method: clinical testing. Allele origin: germline.

Blueprint Genetics
Classification: Likely benign. Last evaluated: 2024-03-09. Review status: criteria provided, single submitter. Criteria: ACMG Guidelines, 2015. Collection method: clinical testing. Allele origin: germline.

GeneDx
Classification: Likely benign. Last evaluated: 2020-08-12. Review status: criteria provided, single submitter. Criteria: GeneDx Variant Classification Process June 2021. Collection method: clinical testing. Allele origin: germline. Affected: yes.

Laboratory for Molecular Medicine, Mass General Brigham Personalized Medicine
Classification: Benign. Last evaluated: 2012-05-14. Review status: criteria provided, single submitter. Criteria: LMM Criteria. Collection method: clinical testing. Allele origin: germline. Observed: 4 variant alleles.
Comment: Leu13Leu in Exon 01 of OTOF: This variant is not expected to have clinical signi ficance because it does not alter an amino acid residue, is not located within t he splice consensus sequence, and has been identified in 0.8% (31/3738) of Afric an American chromosomes from a broad population by the NHLBI Exome Sequencing Pr oject (dbSNP rs76180450).

Breakthrough Genomics
Classification: Likely benign. Review status: criteria provided, single submitter. Criteria: ACMG Guidelines, 2015. Collection method: not provided. Allele origin: germline. Inheritance: Autosomal recessive inheritance. Affected: yes.